The following is an entry in ClinVar:

ClinVar aggregate classification (germline): Uncertain significance (1 of 4 stars; one submission).

Submission:

Labcorp Genetics (formerly Invitae), Labcorp
Classification: Uncertain significance. Last evaluated: 2024-03-10. Review status: criteria provided, single submitter. Criteria: Invitae Variant Classification Sherloc (09022015). Collection method: clinical testing. Allele origin: germline.
Comment: This sequence change replaces lysine, which is basic and polar, with arginine, which is basic and polar, at codon 337 of the CARD8 protein (p.Lys337Arg). This variant is not present in population databases (gnomAD no frequency). This variant has not been reported in the literature in individuals affected with CARD8-related conditions. An algorithm developed to predict the effect of missense changes on protein structure and function (PolyPhen-2) suggests that this variant is likely to be tolerated. Algorithms developed to predict the effect of sequence changes on RNA splicing suggest that this variant may disrupt the consensus splice site. In summary, the available evidence is currently insufficient to determine the role of this variant in disease. Therefore, it has been classified as a Variant of Uncertain Significance.

NM_001184900.3(CARD8):c.1160A>G (p.Lys387Arg)

Gene: CARD8 (caspase recruitment domain family member 8; minus strand). Cytogenetic location: 19q13.33.
Variant type: single nucleotide variant.
Coding change: c.1160A>G on transcript NM_001184900.3 (MANE Select); coding-DNA position 1160, A replaced by G.
Protein change: p.Lys387Arg; replaces lysine 387 with arginine.
Molecular consequence: missense variant. On other transcripts: non-coding transcript variant (3).
Genome position (GRCh38, 1-based): chr19:48,221,731, T>C on the plus strand (A>G on the coding strand, the complement: CARD8 is on the minus strand). VCF-style: chr19-48221731-T-C. GRCh37 (hg19) VCF-style: chr19-48724988-T-C.
Other names: c.1010A>G, p.Lys337Arg (NM_001184901.1, NM_001351783.2, NM_001351788.2 and 2 more transcripts); c.1160A>G, p.Lys387Arg (NM_001184902.2, NM_001184903.1, NM_001351782.2); c.845A>G, p.Lys282Arg (NM_001351784.2, NM_001351787.2, NM_001351791.2 and 1 more transcripts); c.824A>G, p.Lys275Arg (NM_001351786.2); c.917A>G, p.Lys306Arg (NM_001351790.2); c.842A>G, p.Lys281Arg (NM_001365950.1); short protein forms K275R, K282R, K306R, K281R, K387R, K337R.
Identifiers: ClinVar variation 3638167 (VCV003638167.2).